The following is an entry in ClinVar:

NM_021098.3(CACNA1H):c.2210G>C (p.Gly737Ala)

Gene: CACNA1H (calcium voltage-gated channel subunit alpha1 H; plus strand). Cytogenetic location: 16p13.3.
Variant type: single nucleotide variant.
Coding change: c.2210G>C on transcript NM_021098.3 (MANE Select); coding-DNA position 2210, G replaced by C.
Protein change: p.Gly737Ala; replaces glycine 737 with alanine.
Molecular consequence: missense variant.
Genome position (GRCh38, 1-based): chr16:1,204,217, G>C. VCF-style: chr16-1204217-G-C. GRCh37 (hg19) VCF-style: chr16-1254217-G-C.
Other names: c.2210G>C, p.Gly737Ala (NM_001005407.2); short protein forms G737A.
Identifiers: ClinVar variation 3366047 (VCV003366047.1).
Genomic context (GRCh38, chr16:1,204,217, plus strand): 5'-CGGAAAGTGGAGACTCAGATGGCCGTGGCGTCTATGAATTCACGCAGGACGTCCGGCACG[G>C]TGACCGCTGGGACCCCACGCGACCACCCCGTGCGACGGACACACCAGGCCCAGGCCCAGG-3'
Protein context (NP_066921.2, residues 727-747): VYEFTQDVRH[Gly737Ala]DRWDPTRPPR

ClinVar aggregate classification (germline): Uncertain significance (1 of 4 stars; one submission).

Submission:

GeneDx
Classification: Uncertain significance. Last evaluated: 2023-11-10. Review status: criteria provided, single submitter. Criteria: GeneDx Variant Classification Process June 2021. Collection method: clinical testing. Allele origin: germline. Affected: yes.
Comment: Not observed at significant frequency in large population cohorts (gnomAD); In silico analysis supports that this missense variant does not alter protein structure/function; Has not been previously published as pathogenic or benign to our knowledge